The following is an entry in ClinVar:

ClinVar aggregate classification (germline): Uncertain significance (1 of 4 stars; one submission).

Allele frequency attached by ClinVar (database versions not stated): TOPMed 0.00002; ExAC 0.00002; gnomAD 0.00002; gnomAD exomes 0.00003.
gnomAD v4.1: 42 of 1,610,990 alleles (0.0026%); highest among the groups gnomAD compares: Non-Finnish European, 0.0034%; no homozygotes.

Submission:

Labcorp Genetics (formerly Invitae), Labcorp
Classification: Uncertain significance. Last evaluated: 2025-11-23. Review status: criteria provided, single submitter. Criteria: Invitae Variant Classification Sherloc (09022015). Collection method: clinical testing. Allele origin: germline.
Comment: This sequence change falls in intron 13 of the LONP1 gene. It does not directly change the encoded amino acid sequence of the LONP1 protein. It affects a nucleotide within the consensus splice site. This variant is present in population databases (rs758098715, gnomAD 0.003%). This variant has not been reported in the literature in individuals affected with LONP1-related conditions. ClinVar contains an entry for this variant (Variation ID: 2882542). Variants that disrupt the consensus splice site are a relatively common cause of aberrant splicing (PMID: 17576681, 9536098). Algorithms developed to predict the effect of sequence changes on RNA splicing suggest that this variant is not likely to affect RNA splicing. In summary, the available evidence is currently insufficient to determine the role of this variant in disease. Therefore, it has been classified as a Variant of Uncertain Significance.

Literature cited by the submitters: PubMed 17576681; PubMed 9536098.

NM_004793.4(LONP1):c.2013+3A>G

Gene: LONP1 (lon peptidase 1, mitochondrial; minus strand). Cytogenetic location: 19p13.3.
Variant type: single nucleotide variant.
Coding change: c.2013+3A>G on transcript NM_004793.4 (MANE Select); 3 bases into the intron after coding-DNA position 2013, A replaced by G.
Molecular consequence: intron variant.
Genome position (GRCh38, 1-based): chr19:5,696,051, T>C on the plus strand (A>G on the coding strand, the complement: LONP1 is on the minus strand). VCF-style: chr19-5696051-T-C. GRCh37 (hg19) VCF-style: chr19-5696062-T-C.
Other names: c.1425+3A>G (NM_001276480.1); c.1821+3A>G (NM_001276479.2).
Identifiers: ClinVar variation 2882542 (VCV002882542.3), dbSNP rs758098715, ClinGen allele CA9114355.
Genomic context (GRCh38, chr19:5,696,051, plus strand): 5'-CAGGCTCTGGGGGGCGCCCCCTGCTCTGGGAAGGGGACAGCAGTGGGGAGGGGCTGGGCT[T>C]ACCTCCGCAATGGCCAGCTTCTCCTGGGCCACGTAGCCCGACACGTTGATCATCTCCATA-3'